The following is an entry in ClinVar:

ClinVar aggregate classification (germline): Benign (1 of 4 stars; one submission).

Conditions:
Hereditary diffuse gastric adenocarcinoma (HDGC). Also called: DIFFUSE GASTRIC AND LOBULAR BREAST CANCER SYNDROME. Identifiers: Orphanet 26106, MedGen C1708349, MONDO:0007648, OMIM 137215.

gnomAD v4.1: 1 of 1,614,106 alleles (0.000062%); highest among the groups gnomAD compares: Non-Finnish European, 0.000085%; no homozygotes.

Submission:

Myriad Genetics, Inc.
Classification: Benign for Hereditary diffuse gastric adenocarcinoma. Last evaluated: 2024-10-15. Review status: criteria provided, single submitter. Criteria: Myriad Autosomal Dominant, Autosomal Recessive and X-Linked Classification Criteria (2023). Collection method: clinical testing. Allele origin: unknown.
Comment: This variant is considered benign. This variant is a silent/synonymous amino acid change and it is not expected to impact splicing.

NM_001903.5(CTNNA1):c.2406T>C (p.Asn802=)

Gene: CTNNA1 (catenin alpha 1; plus strand). Cytogenetic location: 5q31.2.
Variant type: single nucleotide variant.
Coding change: c.2406T>C on transcript NM_001903.5 (MANE Select); coding-DNA position 2406, T replaced by C.
Protein change: p.Asn802=; no amino-acid change (asparagine 802 retained).
Molecular consequence: synonymous variant. On other transcripts: intron variant (1).
Genome position (GRCh38, 1-based): chr5:138,932,685, T>C. VCF-style: chr5-138932685-T-C. GRCh37 (hg19) VCF-style: chr5-138268374-T-C.
Other names: c.2406T>C, p.Asn802= (NM_001290307.3, NM_001323982.2, NM_001323983.1 and 2 more transcripts); c.2097T>C, p.Asn699= (NM_001290309.3); c.2037T>C, p.Asn679= (NM_001290310.3); c.1296T>C, p.Asn432= (NM_001290312.1, NM_001323987.1, NM_001323988.1 and 16 more transcripts); c.2313T>C, p.Asn771= (NM_001323986.2); c.957T>C, p.Asn319= (NM_001324006.1, NM_001324007.1, NM_001324008.1 and 2 more transcripts); c.1203T>C, p.Asn401= (NM_001324011.1); c.1053T>C, p.Asn351= (NM_001324012.1, NM_001324013.1); and 1 more.
Identifiers: ClinVar variation 3773210 (VCV003773210.1).
Genomic context (GRCh38, chr5:138,932,685, plus strand): 5'-CATCGCCCTCTACTGCCACCAGCTGAACATCTGCAGCAAGGTCAAGGCCGAGGTGCAGAA[T>C]CTCGGCGGGGAGCTTGTTGTCTCTGGGGTAAGCATTAGCTGAACAAAAAGAGGGCCAGTG-3'
Protein context (NP_001894.2, residues 792-812): ICSKVKAEVQ[Asn802=]LGGELVVSGV